The following is an entry in ClinVar:

ClinVar aggregate classification (germline): Uncertain significance (1 of 4 stars; one submission).

Conditions:
Severe early-onset pulmonary alveolar proteinosis due to MARS deficiency. Also called: PULMONARY ALVEOLAR PROTEINOSIS, REUNION ISLAND; Interstitial lung and liver disease. Identifiers: Orphanet 440427, MedGen C4225400, MONDO:0014206, OMIM 615486.
Charcot-Marie-Tooth disease axonal type 2U. Also called: CHARCOT-MARIE-TOOTH NEUROPATHY, TYPE 2U; CHARCOT-MARIE-TOOTH DISEASE, AXONAL, AUTOSOMAL DOMINANT, TYPE 2U. Identifiers: Orphanet 397735, MedGen C4084821, MONDO:0014566, OMIM 616280.

Submission:

Labcorp Genetics (formerly Invitae), Labcorp
Classification: Uncertain significance for Charcot-Marie-Tooth disease axonal type 2U; Severe early-onset pulmonary alveolar proteinosis due to MARS deficiency. Last evaluated: 2024-02-19. Review status: criteria provided, single submitter. Criteria: Invitae Variant Classification Sherloc (09022015). Collection method: clinical testing. Allele origin: germline.
Comment: This sequence change creates a premature translational stop signal (p.Val384Trpfs*112) in the MARS gene. It is expected to result in an absent or disrupted protein product. However, the current clinical and genetic evidence is not sufficient to establish whether loss-of-function variants in MARS cause disease. This variant is not present in population databases (gnomAD no frequency). This variant has not been reported in the literature in individuals affected with MARS-related conditions. In summary, the available evidence is currently insufficient to determine the role of this variant in disease. Therefore, it has been classified as a Variant of Uncertain Significance.

NM_004990.4(MARS1):c.1149del (p.Val384fs)

Gene: MARS1 (methionyl-tRNA synthetase 1; plus strand). Cytogenetic location: 12q13.3.
Variant type: Deletion.
Coding change: c.1149del on transcript NM_004990.4 (MANE Select); coding-DNA position 1149, one base deleted (T; older notation c.1149delT).
Protein change: p.Val384fs; shifts the reading frame from valine 384.
Molecular consequence: frameshift variant.
Genome position (GRCh38, 1-based): chr12:57,500,378, T deleted. VCF-style (leftmost placement, unchanged base first): chr12-57500377-CT-C. GRCh37 (hg19) VCF-style: chr12-57894160-CT-C.
Other names: short protein forms V384fs.
Identifiers: ClinVar variation 3763317 (VCV003763317.2).
Genomic context (GRCh38, chr12:57,500,377, plus strand): 5'-CCAGAATCACCCAGGACATTTTCCAGCAGTTGCTGAAACGAGGTTTTGTGCTGCAAGATA[CT>C]GTGGAGCAACTGCGATGTGAGCACTGTGCTCGCTTCCTGGCTGACCGCTTCGTGGAGGGC-3'